The following is an entry in ClinVar:

ClinVar aggregate classification (germline): Uncertain significance (1 of 4 stars; one submission).

Conditions:
Congenital myasthenic syndrome 12 (CMS12). Also called: MYASTHENIC SYNDROME, CONGENITAL, WITH TUBULAR AGGREGATES 1; Myasthenia, congenital, 12, with tubular aggregates. Identifiers: Orphanet 353327, Orphanet 590, MedGen C3552335, MONDO:0012518, OMIM 610542.

Submission:

Labcorp Genetics (formerly Invitae), Labcorp
Classification: Uncertain significance for Congenital myasthenic syndrome 12. Last evaluated: 2024-02-15. Review status: criteria provided, single submitter. Criteria: Invitae Variant Classification Sherloc (09022015). Collection method: clinical testing. Allele origin: germline.
Comment: This sequence change replaces phenylalanine, which is neutral and non-polar, with isoleucine, which is neutral and non-polar, at codon 437 of the GFPT1 protein (p.Phe437Ile). This variant is not present in population databases (gnomAD no frequency). This variant has not been reported in the literature in individuals affected with GFPT1-related conditions. ClinVar contains an entry for this variant (Variation ID: 473127). Advanced modeling of protein sequence and biophysical properties (such as structural, functional, and spatial information, amino acid conservation, physicochemical variation, residue mobility, and thermodynamic stability) has been performed at Invitae for this missense variant, however the output from this modeling did not meet the statistical confidence thresholds required to predict the impact of this variant on GFPT1 protein function. In summary, the available evidence is currently insufficient to determine the role of this variant in disease. Therefore, it has been classified as a Variant of Uncertain Significance.

NM_001244710.2(GFPT1):c.1309T>A (p.Phe437Ile)

Gene: GFPT1 (glutamine--fructose-6-phosphate transaminase 1; minus strand). Cytogenetic location: 2p13.3.
Variant type: single nucleotide variant.
Coding change: c.1309T>A on transcript NM_001244710.2 (MANE Select); coding-DNA position 1309, T replaced by A.
Protein change: p.Phe437Ile; replaces phenylalanine 437 with isoleucine.
Molecular consequence: missense variant.
Genome position (GRCh38, 1-based): chr2:69,338,460, A>T on the plus strand (T>A on the coding strand, the complement: GFPT1 is on the minus strand). VCF-style: chr2-69338460-A-T. GRCh37 (hg19) VCF-style: chr2-69565592-A-T.
Other names: c.1255T>A, p.Phe419Ile (NM_002056.4); short protein forms F419I, F437I.
Identifiers: ClinVar variation 473127 (VCV000473127.8), dbSNP rs766450555, ClinGen allele CA347124564.